The following is an entry in ClinVar:

NM_007294.4(BRCA1):c.3424G>C (p.Ala1142Pro)

Genes: BRCA1 (BRCA1 DNA repair associated; minus strand), LOC126862571 (BRD4-independent group 4 enhancer GRCh37_chr17:41243136-41244335; plus strand). Cytogenetic location: 17q21.31.
Variant type: single nucleotide variant.
Coding change: c.3424G>C on transcript NM_007294.4 (MANE Select); coding-DNA position 3424, G replaced by C.
Protein change: p.Ala1142Pro; replaces alanine 1142 with proline.
Molecular consequence: missense variant. On other transcripts: intron variant (135).
Genome position (GRCh38, 1-based): chr17:43,092,107, C>G on the plus strand (G>C on the coding strand, the complement: BRCA1 is on the minus strand). VCF-style: chr17-43092107-C-G. GRCh37 (hg19) VCF-style: chr17-41244124-C-G.
Other names: 3543G>C; c.3091G>C, p.Ala1031Pro (NM_001407951.1, NM_001407952.1, NM_001407953.1 and 6 more transcripts); c.3088G>C, p.Ala1030Pro (NM_001407954.1, NM_001407955.1, NM_001407956.1 and 1 more transcripts); c.3043G>C, p.Ala1015Pro (NM_001407959.1, NM_001407960.1, NM_001407963.1); c.3040G>C, p.Ala1014Pro (NM_001407962.1); c.3280G>C, p.Ala1094Pro (NM_001407964.1, NM_001407740.1, NM_001407741.1 and 20 more transcripts); c.2920G>C, p.Ala974Pro (NM_001407965.1); c.2536G>C, p.Ala846Pro (NM_001407966.1, NM_001407967.1); and 42 more; short protein forms A1142P, A1095P, A1014P, A1031P, A1141P, A1030P, A1054P, A1075P.
Identifiers: ClinVar variation 54878 (VCV000054878.32), dbSNP rs80357101, ClinGen allele CA002215.

ClinVar aggregate classification (germline): Conflicting classifications of pathogenicity. Review status: criteria provided, conflicting classifications (1 of 4 stars). 13 submissions from 13 submitters: Uncertain significance (8); Likely benign (2). 3 of the submissions do not count toward it. Last evaluated 2025-11-04.

Conditions:
Familial cancer of breast. Also called: Hereditary breast cancer; hereditary breast carcinoma; BREAST CANCER, FAMILIAL. Identifiers: Orphanet 227535, MedGen C0346153, MONDO:0016419, OMIM 114480. Disease mechanism: loss of function.
Breast-ovarian cancer, familial, susceptibility to, 1 (BROVCA1). Also called: OVARIAN CANCER, SUSCEPTIBILITY TO; BRCA1 Hereditary Breast and Ovarian Cancer. Identifiers: Orphanet 145, MedGen C2676676, MONDO:0011450, OMIM 604370. Disease mechanism: loss of function.
Pancreatic cancer, susceptibility to, 4. Identifiers: Orphanet 1333, MedGen C3280442, MONDO:0013685, OMIM 614320.
Fanconi anemia, complementation group S (FANCS). Identifiers: MedGen C4554406, MONDO:0054748, OMIM 617883.
Hereditary cancer-predisposing syndrome. Also called: Tumor predisposition; Neoplastic Syndromes, Hereditary; Hereditary Cancer Syndrome; Hereditary neoplastic syndrome. Identifiers: Orphanet 140162, MedGen C0027672, MeSH D009386, MONDO:0015356.
Hereditary breast ovarian cancer syndrome. Also called: Hereditary breast and ovarian cancer syndrome (HBOC); Hereditary breast and ovarian cancer syndrome; Hereditary breast and ovarian cancer; Hereditary breast and/or ovarian cancer syndrome; Breast and ovarian cancer; BRCA1- and BRCA2-Associated Hereditary Breast and Ovarian Cancer. Identifiers: Orphanet 145, MedGen C0677776, MeSH D061325, MONDO:0003582. Disease mechanism: loss of function.

gnomAD v4.1: 1 of 1,613,984 alleles (0.000062%); highest among the groups gnomAD compares: Non-Finnish European, 0.000085%; no homozygotes.

Submissions 1 to 6 of 13:

Women's Health and Genetics/Laboratory Corporation of America, LabCorp
Classification: Uncertain significance. Last evaluated: 2025-11-04. Review status: criteria provided, single submitter. Criteria: LabCorp Variant Classification Summary - May 2015. Collection method: clinical testing. Allele origin: germline.
Comment: Variant summary: BRCA1 c.3424G>C (p.Ala1142Pro) results in a non-conservative amino acid change in the encoded protein sequence. Algorithms developed to predict the effect of missense changes on protein structure and function are either unavailable or do not agree on the potential impact of this missense change. The variant was absent in 251178 control chromosomes (gnomAd). The available data on variant occurrences in the general population are insufficient to allow any conclusion about variant significance. c.3424G>C has been observed in individuals affected with Breast cancer (Celik_2018). These reports do not provide unequivocal conclusions about association of the variant with Hereditary Breast And Ovarian Cancer Syndrome. Co-occurrences with other pathogenic variants have been reported (BRCA2 c.7655_7658delTTAA, p.Ile2552Thrfs*95, Celik_2018), providing supporting evidence for a benign role. To our knowledge, no experimental evidence demonstrating an impact on protein function has been reported. The following publications have been ascertained in the context of this evaluation (PMID: 30214756, 33087888). ClinVar contains an entry for this variant (Variation ID: 54878). Based on the evidence outlined above, the variant was classified as VUS-possibly benign.

Labcorp Genetics (formerly Invitae), Labcorp
Classification: Likely benign for Hereditary breast ovarian cancer syndrome. Last evaluated: 2025-09-06. Review status: criteria provided, single submitter. Criteria: Invitae Variant Classification Sherloc (09022015). Collection method: clinical testing. Allele origin: germline.

Color Diagnostics, LLC DBA Color Health
Classification: Uncertain significance for Hereditary cancer-predisposing syndrome. Last evaluated: 2025-06-23. Review status: criteria provided, single submitter. Criteria: ACMG Guidelines, 2015. Collection method: clinical testing. Allele origin: germline.
Comment: This missense variant replaces alanine with proline at codon 1142 of the BRCA1 protein. Computational prediction suggests that this variant may not impact protein structure and function. To our knowledge, functional studies have not been reported for this variant. This variant has been detected in a breast cancer case-control meta-analysis in 2/60466 cases and 0/53461 unaffected individuals (PMID: 33471991Leiden Open Variation Database DB-ID BRCA1_002535) and in a suspected hereditary breast and ovarian cancer family (PMID: 9333265). This variant also has been reported in a mother-daughter pair both affected with high-risk breast cancer and a BRCA2 truncation variant (PMID: 30214756). This variant also has been reported with co-occurrence and family history likelihood ratios for pathogenicity of 1.1026 and 0.0608, respectively (PMID: 31131967). This variant has not been identified in the general population by the Genome Aggregation Database (gnomAD). The available evidence is insufficient to determine the role of this variant in disease conclusively. Therefore, this variant is classified as a Variant of Uncertain Significance.

Ambry Genetics
Classification: Uncertain significance for Hereditary cancer-predisposing syndrome. Last evaluated: 2025-03-03. Review status: criteria provided, single submitter. Criteria: Ambry Variant Classification Scheme 2023. Collection method: clinical testing. Allele origin: germline.
Comment: The p.A1142P variant (also known as c.3424G>C), located in coding exon 9 of the BRCA1 gene, results from a G to C substitution at nucleotide position 3424. The alanine at codon 1142 is replaced by proline, an amino acid with highly similar properties. This alteration was seen in conjunction with a BRCA2 truncating alteration, classified as pathogenic, and an ATM missense alteration, classified as uncertain significance (Celik E et al. Clin Case Rep, 2018 Sep;6:1751-1755). This alteration has also been reported in 1/798 individuals from a multi-center study of persons thought to be at elevated a priori risk for a BRCA1 mutation based on personal and/or family history (Shattuck-Eidens D et al. JAMA, 1997 Oct;278:1242-50). This variant was reported in 2/60,466 breast cancer cases and in 0/53,461 controls (Dorling et al. N Engl J Med 2021 02;384:428-439). This amino acid position is poorly conserved in available vertebrate species. In addition, this alteration is predicted to be tolerated by in silico analysis. Based on the available evidence, the clinical significance of this variant remains unclear.

GeneDx
Classification: Uncertain significance. Last evaluated: 2024-05-10. Review status: criteria provided, single submitter. Criteria: GeneDx Variant Classification Process June 2021. Collection method: clinical testing. Allele origin: germline. Affected: yes.
Comment: Co-observed with a pathogenic BRCA2 variant in a mother-daughter with early onset breast cancer (PMID: 30214756); Observed in an individual with a personal and/or family history of breast and/or ovarian cancer (PMID: 9333265); Not observed at significant frequency in large population cohorts (gnomAD); In silico analysis supports that this missense variant has a deleterious effect on protein structure/function; Also known as 3543G>C; This variant is associated with the following publications: (PMID: 12402341, 16518693, 33087888, 29884841, 32377563, 25348012, 15385441, 33471991, 31853058, 9333265, 31131967, 30214756)

Quest Diagnostics Nichols Institute San Juan Capistrano
Classification: Uncertain significance. Last evaluated: 2024-05-03. Review status: criteria provided, single submitter. Criteria: Quest Diagnostics criteria. Collection method: clinical testing. Allele origin: unknown.
Comment: The BRCA1 c.3424G>C (p.Ala1142Pro) variant has been reported in the published literature in individuals with breast and/or ovarian cancer (PMIDs: 9333265 (1997), 33471911 (2021) see also LOVD). However, this variant was also seen in an individual with early-onset triple negative breast cancer who carried an additional pathogenic variant in BRCA2, suggesting the current variant may not be responsible for disease (PMID: 30214756 (2018)). This variant has not been reported in large, multi-ethnic general populations (Genome Aggregation Database). Analysis of this variant using bioinformatics tools for the prediction of the effect of amino acid changes on protein structure and function yielded conflicting predictions that this variant is deleterious or benign. Based on the available information, we are unable to determine the clinical significance of this variant.